The following is an entry in ClinVar:

ClinVar aggregate classification (germline): Uncertain significance (1 of 4 stars; one submission).

Submission:

Labcorp Genetics (formerly Invitae), Labcorp
Classification: Uncertain significance. Last evaluated: 2025-06-24. Review status: criteria provided, single submitter. Criteria: Invitae Variant Classification Sherloc (09022015). Collection method: clinical testing. Allele origin: germline.
Comment: This sequence change replaces phenylalanine, which is neutral and non-polar, with leucine, which is neutral and non-polar, at codon 12 of the CCT2 protein (p.Phe12Leu). This variant is not present in population databases (gnomAD no frequency). This variant has not been reported in the literature in individuals affected with CCT2-related conditions. An algorithm developed to predict the effect of missense changes on protein structure and function (PolyPhen-2) suggests that this variant is likely to be tolerated. In summary, the available evidence is currently insufficient to determine the role of this variant in disease. Therefore, it has been classified as a Variant of Uncertain Significance.

NM_006431.3(CCT2):c.34T>C (p.Phe12Leu)

Gene: CCT2 (chaperonin containing TCP1 subunit 2; plus strand). Cytogenetic location: 12q15.
Variant type: single nucleotide variant.
Coding change: c.34T>C on transcript NM_006431.3 (MANE Select); coding-DNA position 34, T replaced by C.
Protein change: p.Phe12Leu; replaces phenylalanine 12 with leucine.
Molecular consequence: missense variant. On other transcripts: 5 prime UTR variant (1).
Genome position (GRCh38, 1-based): chr12:69,586,300, T>C. VCF-style: chr12-69586300-T-C. GRCh37 (hg19) VCF-style: chr12-69980080-T-C.
Other names: c.-108T>C (NM_001198842.2); short protein forms F12L.
Identifiers: ClinVar variation 4710377 (VCV004710377.1).
Genomic context (GRCh38, chr12:69,586,300, plus strand): 5'-AACGGAATGCCTCTTGGTTTTCCTTTTCAGGCGTCCCTTTCCCTTGCACCTGTTAACATC[T>C]TTAAGGCAGGAGCTGATGAAGAGAGAGCAGAGACAGCTCGTCTGGTAAGCCTTGTTCTAA-3'
Protein context (NP_006422.1, residues 2-22): ASLSLAPVNI[Phe12Leu]KAGADEERAE